The following is an entry in ClinVar:

NM_014806.5(RUSC2):c.1551G>A (p.Met517Ile)

Gene: RUSC2 (RUN and SH3 domain containing 2; plus strand). Cytogenetic location: 9p13.3.
Variant type: single nucleotide variant.
Coding change: c.1551G>A on transcript NM_014806.5 (MANE Select); coding-DNA position 1551, G replaced by A.
Protein change: p.Met517Ile; replaces methionine 517 with isoleucine.
Molecular consequence: missense variant. On other transcripts: non-coding transcript variant (1), intron variant (1).
Genome position (GRCh38, 1-based): chr9:35,548,072, G>A. VCF-style: chr9-35548072-G-A. GRCh37 (hg19) VCF-style: chr9-35548069-G-A.
Other names: c.1551G>A, p.Met517Ile (NM_001135999.2); c.-620-6988G>A (NM_001330740.2); short protein forms M517I.
Identifiers: ClinVar variation 1424296 (VCV001424296.8), dbSNP rs763232197, ClinGen allele CA5043672.

ClinVar aggregate classification (germline): Uncertain significance (1 of 4 stars; one submission).

gnomAD v4.1: 9 of 1,613,400 alleles (0.00056%); highest among the groups gnomAD compares: Non-Finnish European, 0.00076%; no homozygotes.

Submission:

Labcorp Genetics (formerly Invitae), Labcorp
Classification: Uncertain significance. Last evaluated: 2025-02-24. Review status: criteria provided, single submitter. Criteria: Invitae Variant Classification Sherloc (09022015). Collection method: clinical testing. Allele origin: germline.
Comment: This sequence change replaces methionine, which is neutral and non-polar, with isoleucine, which is neutral and non-polar, at codon 517 of the RUSC2 protein (p.Met517Ile). This variant is present in population databases (rs763232197, gnomAD 0.005%). This variant has not been reported in the literature in individuals affected with RUSC2-related conditions. ClinVar contains an entry for this variant (Variation ID: 1424296). An algorithm developed to predict the effect of missense changes on protein structure and function (PolyPhen-2) suggests that this variant is likely to be disruptive. In summary, the available evidence is currently insufficient to determine the role of this variant in disease. Therefore, it has been classified as a Variant of Uncertain Significance.